The following is an entry in ClinVar:

ClinVar aggregate classification (germline): Likely benign. Review status: criteria provided, multiple submitters, no conflicts (2 of 4 stars). 3 submissions from 3 submitters: Likely benign (3). Last evaluated 2025-11-05.

Conditions:
RPGRIP1L-related disorder. Also called: RPGRIP1L-related disorders; RPGRIP1L-related condition. Identifiers: MedGen CN239416.
Joubert syndrome. Also called: JOUBERT-BOLTSHAUSER SYNDROME; Familial aplasia of the vermis. Identifiers: Orphanet 475, MedGen C5979921, MONDO:0018772.
Meckel-Gruber syndrome. Also called: DYSENCEPHALIA SPLANCHNOCYSTICA; GRUBER SYNDROME; Dysencephalia splachnocystica. Identifiers: Orphanet 564, MedGen C0265215, MONDO:0018921.

Allele frequency attached by ClinVar (database versions not stated): gnomAD exomes below 0.00001 and 0.00001; gnomAD 0.00001; TOPMed 0.00001.
gnomAD v4.1: 19 of 1,614,082 alleles (0.0012%); highest among the groups gnomAD compares: Non-Finnish European, 0.0016%; no homozygotes.

Submissions (3):

Labcorp Genetics (formerly Invitae), Labcorp
Classification: Likely benign for Joubert syndrome; Meckel-Gruber syndrome. Last evaluated: 2025-11-05. Review status: criteria provided, single submitter. Criteria: Invitae Variant Classification Sherloc (09022015). Collection method: clinical testing. Allele origin: germline.

PreventionGenetics, part of Exact Sciences
Classification: Likely benign for RPGRIP1L-related condition. Last evaluated: 2025-09-02. Review status: criteria provided, single submitter. Criteria: ACMG Guidelines, 2015. Collection method: clinical testing. Allele origin: germline.
Comment: This variant is classified as likely benign based on ACMG/AMP sequence variant interpretation guidelines (Richards et al. 2015 PMID: 25741868, with internal and published modifications).

Blueprint Genetics
Classification: Likely benign. Last evaluated: 2024-10-17. Review status: criteria provided, single submitter. Criteria: ACMG Guidelines, 2015. Collection method: clinical testing. Allele origin: germline.

NM_015272.5(RPGRIP1L):c.510A>G (p.Leu170=)

Gene: RPGRIP1L (RPGRIP1 like; minus strand). Cytogenetic location: 16q12.2.
Variant type: single nucleotide variant.
Coding change: c.510A>G on transcript NM_015272.5 (MANE Select); coding-DNA position 510, A replaced by G.
Protein change: p.Leu170=; no amino-acid change (leucine 170 retained).
Molecular consequence: synonymous variant.
Genome position (GRCh38, 1-based): chr16:53,692,085, T>C on the plus strand (A>G on the coding strand, the complement: RPGRIP1L is on the minus strand). VCF-style: chr16-53692085-T-C. GRCh37 (hg19) VCF-style: chr16-53725997-T-C.
Other names: c.510A>G (NM_015272.4); c.510A>G, p.Leu170= (NM_001127897.4, NM_001308334.3, NM_001330538.2).
Identifiers: ClinVar variation 1154284 (VCV001154284.11), dbSNP rs750991343, ClinGen allele CA281375116.